The following is an entry in ClinVar:

ClinVar aggregate classification (germline): Uncertain significance (1 of 4 stars; one submission).

Conditions:
Nance-Horan syndrome (NHS). Identifiers: Orphanet 627, MedGen C0796085, MONDO:0010545, OMIM 302350.

gnomAD v4.1: 2 of 1,211,754 alleles (0.00017%); highest among the groups gnomAD compares: Non-Finnish European, 0.00022%; no homozygotes.

Submission:

Labcorp Genetics (formerly Invitae), Labcorp
Classification: Uncertain significance for Nance-Horan syndrome. Last evaluated: 2024-11-30. Review status: criteria provided, single submitter. Criteria: Invitae Variant Classification Sherloc (09022015). Collection method: clinical testing. Allele origin: germline.
Comment: This sequence change replaces aspartic acid, which is acidic and polar, with asparagine, which is neutral and polar, at codon 983 of the NHS protein (p.Asp983Asn). This variant is present in population databases (rs760865947, gnomAD 0.001%), including at least one homozygous and/or hemizygous individual. This variant has not been reported in the literature in individuals affected with NHS-related conditions. Invitae Evidence Modeling of protein sequence and biophysical properties (such as structural, functional, and spatial information, amino acid conservation, physicochemical variation, residue mobility, and thermodynamic stability) indicates that this missense variant is not expected to disrupt NHS protein function with a negative predictive value of 80%. In summary, the available evidence is currently insufficient to determine the role of this variant in disease. Therefore, it has been classified as a Variant of Uncertain Significance.

NM_001291867.2(NHS):c.3010G>A (p.Asp1004Asn)

Gene: NHS (NHS actin remodeling regulator; plus strand). Cytogenetic location: Xp22.13.
Variant type: single nucleotide variant.
Coding change: c.3010G>A on transcript NM_001291867.2 (MANE Select); coding-DNA position 3010, G replaced by A.
Protein change: p.Asp1004Asn; replaces aspartic acid 1004 with asparagine.
Molecular consequence: missense variant.
Genome position (GRCh38, 1-based): chrX:17,727,116, G>A. VCF-style: chrX-17727116-G-A. GRCh37 (hg19) VCF-style: chrX-17745236-G-A.
Other names: c.2479G>A, p.Asp827Asn (NM_001136024.4); c.2416G>A, p.Asp806Asn (NM_001291868.2); c.2947G>A, p.Asp983Asn (NM_198270.4); short protein forms D827N, D1004N, D806N, D983N.
Identifiers: ClinVar variation 3694894 (VCV003694894.2).
Genomic context (GRCh38, chrX:17,727,116, plus strand): 5'-TCTGAATCCCAAACATCACAATCAGAATCAAGAGCCACCACCCCATCTCTTCCTTCTGTT[G>A]ACAATGAGTTTAAACTGGCTTCACCAGAAAAGCTGGCTGGCTTGGCATCTCCATCAAGTG-3'
Protein context (NP_001278796.1, residues 994-1014): RATTPSLPSV[Asp1004Asn]NEFKLASPEK